The following is an entry in ClinVar:

NM_004408.4(DNM1):c.850-46C>A

Gene: DNM1 (dynamin 1; plus strand). Cytogenetic location: 9q34.11.
Variant type: single nucleotide variant.
Coding change: c.850-46C>A on transcript NM_004408.4 (MANE Select); 46 bases into the intron before coding-DNA position 850, C replaced by A.
Molecular consequence: intron variant.
Genome position (GRCh38, 1-based): chr9:128,222,151, C>A. VCF-style: chr9-128222151-C-A. GRCh37 (hg19) VCF-style: chr9-130984430-C-A.
Other names: c.850-46C>A (NM_001005336.3, NM_001288738.2, NM_001288737.2 and 1 more transcripts).
Identifiers: ClinVar variation 679301 (VCV000679301.4), dbSNP rs3003608, ClinGen allele CA5257911.

ClinVar aggregate classification (germline): Benign. Review status: criteria provided, multiple submitters, no conflicts (2 of 4 stars). 3 submissions from 3 submitters: Benign (3). Last evaluated 2024-07-15.

Allele frequency attached by ClinVar (database versions not stated): ESP Exome Variant Server 0.53152; gnomAD 0.53849 and 0.54228; TOPMed 0.54978; gnomAD exomes 0.55873 and 0.57887; ExAC 0.57644; 1000 Genomes Project 0.58127; 1000 Genomes Project 30x 0.58198.
gnomAD v4.1: 876,036 of 1,572,292 alleles (56%); highest among the groups gnomAD compares: Admixed American, 70%; 245,863 homozygotes.

Submissions (3):

Unidad de Genómica Garrahan, Hospital de Pediatría Garrahan
Classification: Benign. Last evaluated: 2024-07-15. Review status: criteria provided, single submitter. Criteria: ACMG Guidelines, 2015. Collection method: clinical testing. Allele origin: germline. Affected: no. Observed: 82 variant alleles.
Comment: This variant is classified as Benign based on local population frequency. This variant was detected in 88% of patients studied in a panel designed for Epileptic and Developmental Encephalopathy and Progressive Myoclonus Epilepsy. Number of patients: 82. Only high quality variants are reported.

GeneDx
Classification: Benign. Last evaluated: 2018-06-14. Review status: criteria provided, single submitter. Criteria: GeneDx Variant Classification (06012015). Collection method: clinical testing. Allele origin: germline. Affected: yes.
Comment: This variant is considered likely benign or benign based on one or more of the following criteria: it is a conservative change, it occurs at a poorly conserved position in the protein, it is predicted to be benign by multiple in silico algorithms, and/or has population frequency not consistent with disease.

Breakthrough Genomics
Classification: Benign. Review status: criteria provided, single submitter. Criteria: ACMG Guidelines, 2015. Collection method: not provided. Allele origin: germline. Inheritance: Autosomal dominant inheritance. Affected: yes.